The following is an entry in ClinVar:

ClinVar aggregate classification (germline): Pathogenic/Likely pathogenic. Review status: criteria provided, multiple submitters, no conflicts (2 of 4 stars). 7 submissions from 7 submitters: Pathogenic (4); Likely pathogenic (3). Last evaluated 2026-05-13.

Conditions:
TTN-related disorder. Also called: TTN-related disorders; TTN-related condition; TTN-related disease.
Autosomal recessive titinopathy. Identifiers: MedGen CN315649, MONDO:0100493.
Autosomal recessive limb-girdle muscular dystrophy type 2J (LGMDR10). Also called: Limb-girdle muscular dystrophy, type 2J; MUSCULAR DYSTROPHY, LIMB-GIRDLE, AUTOSOMAL RECESSIVE 10. Identifiers: Orphanet 140922, MedGen C1837342, MONDO:0012127, OMIM 608807.
Dilated cardiomyopathy 1G (CMD1G). Identifiers: Orphanet 154, MedGen C1858763, MONDO:0011400, OMIM 604145.
Cardiovascular phenotype. Identifiers: MedGen CN230736.

Allele frequency attached by ClinVar (database versions not stated): ExAC 0.00001; gnomAD exomes 0.00001.

Submissions (7):

GeneDx
Classification: Pathogenic. Last evaluated: 2026-05-13. Review status: criteria provided, single submitter. Criteria: GeneDx Variant Classification Process June 2021. Collection method: clinical testing. Allele origin: germline.
Comment: Reported in two individuals with congenital core myopathy from the same family; a second pathogenic variant was not identified (PMID: 41749372); Located in the A-band, a region of TTN for which truncating variants are significantly associated with autosomal dominant cardiomyopathy and also with autosomal recessive skeletal myopathies (PMID: 22335739, 32778822); Frameshift variant predicted to result in protein truncation or nonsense mediated decay in a gene for which loss of function is a known mechanism of disease; Not observed at significant frequency in large population cohorts (gnomAD); This variant is associated with the following publications: (PMID: 33226272, 22335739, 32778822, 41749372)

Myofin, Folkhalsan Research Center
Classification: Pathogenic for Autosomal recessive titinopathy. Last evaluated: 2026-02-06. Review status: criteria provided, single submitter. Criteria: ACMG Guidelines, 2015. Collection method: research. Allele origin: germline. Affected: yes.
Comment: TTN loss-of-function is an established mechanism for autosomal recessive titinopathies. ACMG/AMP criteria applied: PVS1 (predicted loss of function), PM2_Supporting (absent/rare in population databases), and PP4_Supporting (highly consistent clinical phenotype). Overall classification: Pathogenic for recessive titinopathy.

Labcorp Genetics (formerly Invitae), Labcorp
Classification: Pathogenic for Dilated cardiomyopathy 1G; Autosomal recessive limb-girdle muscular dystrophy type 2J. Last evaluated: 2025-12-02. Review status: criteria provided, single submitter. Criteria: Invitae Variant Classification Sherloc (09022015). Collection method: clinical testing. Allele origin: germline.
Comment: This sequence change creates a premature translational stop signal (p.Ile22964Tyrfs*8) in the TTN gene. While this is not anticipated to result in nonsense mediated decay, it is expected to create a truncated TTN protein. This variant is present in population databases (rs757603460, gnomAD 0.006%). This premature translational stop signal has been observed in individuals with dilated cardiomyopathy (internal data). ClinVar contains an entry for this variant (Variation ID: 404732). This variant is located in the A band of TTN (PMID: 25589632). Truncating variants in this region are significantly overrepresented in patients affected with dilated cardiomyopathy (PMID: 25589632). Truncating variants in this region have also been reported in individuals affected with autosomal recessive centronuclear myopathy (PMID: 23975875). For these reasons, this variant has been classified as Pathogenic.

PreventionGenetics, part of Exact Sciences
Classification: Pathogenic for TTN-related condition. Last evaluated: 2025-10-22. Review status: criteria provided, single submitter. Criteria: ACMG Guidelines, 2015. Collection method: clinical testing. Allele origin: germline.
Comment: The TTN c.68885_68888dupATAC variant is predicted to result in a frameshift and premature protein termination (p.Ile22964Tyrfs*8). This variant has been reported in an individual with dilated cardiomyopathy and cardiac arrhythmia (Panjiyar et al. 2024. PubMed ID: 39310445). This variant is reported in 0.0058% of alleles in individuals of Latino descent in gnomAD. This variant is located in the A-band region of the protein in which truncating TTN variants have been found more frequently in dilated cardiomyopathy patients than in controls (Herman et al. 2012. PubMed ID: 22335739). RNAseq studies from heart tissue indicate this exon is commonly included in TTN mRNA transcripts (PSI of 93%-100%, Roberts et al. 2015. PubMed ID: 25589632). TTN loss-of-function variants occurring in constitutively expressed exons (PSI > 90%) are more likely to be disease causing for TTN cardiac-related disorders regardless of band location (Roberts et al. 2015. PubMed ID: 25589632; Schafer et al. 2017. PubMed ID: 27869827; Akhtar et al. 2020. PubMed ID: 32964742). Many cases of recessive TTN-related myopathies in which the individual is compound heterozygous for two loss-of-function variants in TTN have also been reported (Oates et al. 2018. PubMed ID: 29691892; Ge et al. 2019. PubMed ID: 31053406; Rees et al. 2021. PubMed ID: 33449170). In summary, this variant is categorized as pathogenic. Of note, this variant is considered pathogenic for increased risk of TTN-related cardiac disorders, and also for autosomal recessive TTN-related congenital titinopathies.

Mayo Clinic Laboratories, Mayo Clinic
Classification: Likely pathogenic. Last evaluated: 2025-10-15. Review status: criteria provided, single submitter. Criteria: ACMG Guidelines, 2015. Collection method: clinical testing. Allele origin: germline. Observed: 1 variant allele.
Comment: PM2_supporting, PVS1

Ambry Genetics
Classification: Likely pathogenic for Cardiovascular phenotype. Last evaluated: 2025-02-27. Review status: criteria provided, single submitter. Criteria: Ambry Variant Classification Scheme 2023. Collection method: clinical testing. Allele origin: germline.
Comment: The c.41690_41693dupATAC variant, located in coding exon 151 of the TTN gene, results from a duplication of ATAC at nucleotide position 41690, causing a translational frameshift with a predicted alternate stop codon (p.I13899Yfs*8). This exon is located in the A-band region of the N2-B isoform of the titin protein and is constitutively expressed in TTN transcripts (percent spliced in or PSI 100%). This variant is expected to result in loss of function by premature protein truncation or nonsense-mediated mRNA decay. While truncating variants in TTN are present in 1-3% of the general population, truncating variants in the A-band are the most common cause of dilated cardiomyopathy (Herman DS et al. N. Engl. J. Med., 2012 Feb;366:619-28; Roberts AM et al. Sci Transl Med, 2015 Jan;7:270ra6). TTN truncating variants encoded in constitutive exons (PSI >90%) have been found to be significantly associated with DCM regardless of their position in titin (Schafer S et al. Nat. Genet., 2017 01;49:46-53; Akhtar MM et al. Circ Heart Fail, 2020 Oct;13:e006832; Massier M et al. Clin Genet, 2025 Jan). As such, this alteration is classified as likely pathogenic.

Eurofins Ntd Llc (ga)
Classification: Likely pathogenic. Last evaluated: 2016-07-15. Review status: criteria provided, single submitter. Criteria: EGL Classification Definitions. Collection method: clinical testing. Allele origin: germline. Observed: 1 variant allele, 1 heterozygote.
Comment: The c.61181_61184dupATAC TTN variant has not been reported in individuals with disease. The c.61181_61184dupATAC variant is located in the A-band region of the TTN protein.1 While truncating variants in this region have been reported in individuals in the general population, they have also been reported at a significantly higher frequency in individuals with dilated cardiomyopathy (DCM).1,2 Therefore, the c.61181_61184dupATAC TTN variant is classified as likely pathogenic. 1. Herman et al. N Engl J Med. 2012 Feb 16;366(7):619-28. 2. Pugh et al. Genet Med. 2014 Aug;16(8):601-8. AKT 7-15-16

Literature cited by the submitters: DOI 10.1101/2025.07.17.25331138 (cited by Myofin, Folkhalsan Research Center); PubMed 25589632 (cited by Labcorp Genetics (formerly Invitae), Labcorp); PubMed 23975875 (cited by Labcorp Genetics (formerly Invitae), Labcorp); PubMed 33226272 (cited by Mayo Clinic Laboratories, Mayo Clinic).

NM_001267550.2(TTN):c.68885_68888dup (p.Ile22964fs)

Genes: TTN-AS1 (TTN antisense RNA 1; plus strand), TTN (titin; minus strand). Cytogenetic location: 2q31.2.
Variant type: Duplication.
Coding change: c.68885_68888dup on transcript NM_001267550.2 (MANE Select); coding-DNA positions 68885 to 68888, 4 bases duplicated (ATAC; older notation c.68885_68888dupATAC).
Protein change: p.Ile22964fs; shifts the reading frame from isoleucine 22964.
Molecular consequence: frameshift variant.
Genome position (GRCh38, 1-based): chr2:178,577,447-178,577,450, GTAT duplicated on the plus strand (ATAC on the coding strand, the reverse complement: TTN is on the minus strand). VCF-style (leftmost placement, unchanged base first): chr2-178577446-G-GGTAT. GRCh37 (hg19) VCF-style: chr2-179442173-G-GGTAT.
Other names: p.Ile21323Tyrfs*8; c.68885_68888dupATAC (NM_001267550.2); c.63962_63965dup, p.Ile21323fs (NM_001256850.1); c.41690_41693dup, p.Ile13899fs (NM_003319.4); c.61181_61184dup, p.Ile20396fs (NM_133378.4); c.42065_42068dup, p.Ile14024fs (NM_133432.3); c.42266_42269dup, p.Ile14091fs (NM_133437.4); c.63962_63965dupATAC (NM_001256850.1); and 2 more; short protein forms I14091fs, I13899fs, I22964fs, I14024fs, I20396fs, I21323fs.
Identifiers: ClinVar variation 404732 (VCV000404732.25), dbSNP rs757603460, ClinGen allele CA1991016.
Genomic context (GRCh38, chr2:178,577,446, plus strand): 5'-CTTGGACCAACTTGATTTTGGAAGGGGTTTGCCAAGAATGCTAATGGCATTCAAAACAAT[G>GGTAT]GTATCCCCTGCTTTAATTGTTAGCCCATCTTTTATTGTGGGATCAAGGACAATTGTTGGT-3'